The following is an entry in ClinVar:

NM_052989.3(IFT122):c.231TAT[1] (p.Ile79del)

Gene: IFT122 (intraflagellar transport 122; plus strand). Cytogenetic location: 3q21.3.
Variant type: Microsatellite.
Coding change: c.231TAT[1] on transcript NM_052989.3 (MANE Select); one copy of the 3-base unit TAT starting at c.231; the reference has two copies in a row; one copy, 3 bases deleted.
Protein change: p.Ile79del; deletes isoleucine 79.
Molecular consequence: inframe deletion. On other transcripts: 5 prime UTR variant (1), inframe indel (5), intron variant (2).
Genome position (GRCh38, 1-based): chr3:129,458,639-129,458,641, TAT deleted; deleting any 3 consecutive bases within chr3:129,458,635-129,458,641 gives the same sequence; the position shown is the placement nearest the transcript's 3' end. VCF-style (leftmost placement, unchanged base first): chr3-129458634-GTTA-G. GRCh37 (hg19) VCF-style: chr3-129177477-GTTA-G.
Other names: c.231TAT[1], p.Ile79del (NM_001280541.2, NM_018262.4, NM_052985.4); c.-220TAT[1] (NM_001280545.2); c.231_233TAT[1], p.Ile79del (NM_001410808.1, NM_001410809.1, NM_001410810.1 and 2 more transcripts); c.-178-2589_-178-2587del (NM_001280546.2); c.194-4921_194-4919del (NM_052990.3); short protein forms I79del.
Identifiers: ClinVar variation 2149772 (VCV002149772.4), dbSNP rs977549771, ClinGen allele CA82654801.

ClinVar aggregate classification (germline): Uncertain significance (1 of 4 stars; one submission).

Conditions:
Cranioectodermal dysplasia 1 (CED1). Also called: LEVIN SYNDROME I. Identifiers: Orphanet 1515, MedGen C0432235, MONDO:0021093, OMIM 218330.

Submission:

Labcorp Genetics (formerly Invitae), Labcorp
Classification: Uncertain significance for Cranioectodermal dysplasia 1. Last evaluated: 2022-02-10. Review status: criteria provided, single submitter. Criteria: Invitae Variant Classification Sherloc (09022015). Collection method: clinical testing. Allele origin: germline.
Comment: This variant is present in population databases (no rsID available, gnomAD 0.003%). This variant has not been reported in the literature in individuals affected with IFT122-related conditions. Experimental studies and prediction algorithms are not available or were not evaluated, and the functional significance of this variant is currently unknown. In summary, the available evidence is currently insufficient to determine the role of this variant in disease. Therefore, it has been classified as a Variant of Uncertain Significance. This variant, c.234_236del, results in the deletion of 1 amino acid(s) of the IFT122 protein (p.Ile79del), but otherwise preserves the integrity of the reading frame.